The following is an entry in ClinVar:

NM_000257.4(MYH7):c.1231G>A (p.Val411Ile)

Gene: MYH7 (myosin heavy chain 7; minus strand). Cytogenetic location: 14q11.2.
Variant type: single nucleotide variant.
Coding change: c.1231G>A on transcript NM_000257.4 (MANE Select); coding-DNA position 1231, G replaced by A.
Protein change: p.Val411Ile; replaces valine 411 with isoleucine.
Molecular consequence: missense variant.
Genome position (GRCh38, 1-based): chr14:23,429,255, C>T on the plus strand (G>A on the coding strand, the complement: MYH7 is on the minus strand). VCF-style: chr14-23429255-C-T. GRCh37 (hg19) VCF-style: chr14-23898464-C-T.
Other names: p.V411I:GTC>ATC; c.1231G>A (LRG_384t1); short protein forms V411I.
Identifiers: ClinVar variation 181339 (VCV000181339.45), dbSNP rs730880868, ClinGen allele CA010410.

ClinVar aggregate classification (germline): Pathogenic/Likely pathogenic. Review status: criteria provided, multiple submitters, no conflicts (2 of 4 stars). 15 submissions from 15 submitters: Pathogenic (1); Likely pathogenic (12). 2 of the submissions do not count toward it. Last evaluated 2026-10-20.

Conditions:
MYH7-related disorder. Also called: MYH7-related condition; MYH7-related disease; MYH7-related disorders.
Cardiovascular phenotype. Identifiers: MedGen CN230736.
Hypertrophic cardiomyopathy 1 (CMH1). Also called: Familial hypertrophic cardiomyopathy 1; MYH7-Related Familial Hypertrophic Cardiomyopathy. Identifiers: MedGen C3495498, MONDO:0008647, OMIM 192600.
Dilated cardiomyopathy 1S (CMD1S). Identifiers: Orphanet 154, Orphanet 54260, MedGen C1834481, MONDO:0013262, OMIM 613426.
Cardiomyopathy (CMYO). Also called: Cardiomyopathies. Identifiers: Orphanet 167848, MedGen C0878544, MONDO:0004994, HP:0001638. Inheritance: Various modes of inheritance.
Hypertrophic cardiomyopathy. Also called: HYPERTROPHIC MYOCARDIOPATHY. Identifiers: Orphanet 217569, MedGen C0007194, MeSH D002312, MONDO:0005045, HP:0001639.

Allele frequency attached by ClinVar (database versions not stated): gnomAD 0.00001; gnomAD exomes 0.00002; ExAC 0.00001.
gnomAD v4.1: 15 of 1,614,092 alleles (0.00093%); highest among the groups gnomAD compares: Admixed American, 0.0033%; no homozygotes.

Submissions (15):

GeneDx
Classification: Likely pathogenic. Last evaluated: 2026-10-20. Review status: criteria provided, single submitter. Criteria: GeneDx Variant Classification Process June 2021. Collection method: clinical testing. Allele origin: germline.
Comment: In silico analysis suggests that this missense variant does not alter protein structure/function; This variant is associated with the following publications: (PMID: 15858117, 12974739, 23785128, 27532257, 29121657, 25351510, 33495597, 20624503, 37121957, 34542152, 20800588, 35653365, 37652022, 22429680, 36264615, 32481709, 32894683, 30847666, 12975413, 23140321, 32731933, 39843441, Gagliardi2025[CaseReport], 29300372)

Labcorp Genetics (formerly Invitae), Labcorp
Classification: Pathogenic for Hypertrophic cardiomyopathy. Last evaluated: 2026-01-10. Review status: criteria provided, single submitter. Criteria: Invitae Variant Classification Sherloc (09022015). Collection method: clinical testing. Allele origin: germline.
Comment: This sequence change replaces valine, which is neutral and non-polar, with isoleucine, which is neutral and non-polar, at codon 411 of the MYH7 protein (p.Val411Ile). This variant is present in population databases (rs730880868, gnomAD 0.006%). This missense change has been observed in individuals with hypertrophic cardiomyopathy (PMID: 12974739, 12975413, 20800588, 22429680, 23785128, 27532257, 29121657, 30847666, 32894683). ClinVar contains an entry for this variant (Variation ID: 181339). Invitae Evidence Modeling of protein sequence and biophysical properties (such as structural, functional, and spatial information, amino acid conservation, physicochemical variation, residue mobility, and thermodynamic stability) indicates that this missense variant is expected to disrupt MYH7 protein function with a positive predictive value of 95%. For these reasons, this variant has been classified as Pathogenic.

CeGaT Center for Human Genetics Tuebingen
Classification: Likely pathogenic. Last evaluated: 2025-06-01. Review status: criteria provided, single submitter. Criteria: CeGaT Center For Human Genetics Tuebingen Variant Classification Criteria Version 2. Collection method: clinical testing. Allele origin: germline. Affected: yes. Observed: 1 variant allele.
Comment: MYH7: PS4, PM1, PM2

Mayo Clinic Laboratories, Mayo Clinic
Classification: Likely pathogenic. Last evaluated: 2025-05-22. Review status: criteria provided, single submitter. Criteria: ACMG Guidelines, 2015. Collection method: clinical testing. Allele origin: germline. Observed: 1 variant allele.
Comment: PP1, PP3, PM1, PM2_supporting, PS4

Ambry Genetics
Classification: Likely pathogenic for Cardiovascular phenotype. Last evaluated: 2025-05-12. Review status: criteria provided, single submitter. Criteria: Ambry Variant Classification Scheme 2023. Collection method: clinical testing. Allele origin: germline.
Comment: The p.V411I variant (also known as c.1231G>A), located in coding exon 11 of the MYH7 gene, results from a G to A substitution at nucleotide position 1231. The valine at codon 411 is replaced by isoleucine, an amino acid with highly similar properties. This alteration is located in the myosin head domain, which contains a statistically significant clustering of pathogenic missense variants (Homburger JR et al. Proc Natl Acad Sci U S A, 2016 06;113:6701-6; Walsh R et al. Genet Med, 2017 02;19:192-203; Ambry internal data). This variant was reported in individual(s) with features consistent with hypertrophic cardiomyopathy (Erdmann J et al. Clin. Genet., 2003 Oct;64:339-49; Woo A et al. Heart, 2003 Oct;89:1179-85; Yu B et al. J. Clin. Pathol., 2005 May;58:479-85; Millat G et al. Eur J Med Genet 2010 Jul;53:261-7; Teirlinck CH et al. BMC Med. Genet., 2012 Nov;13:105; Mook OR et al. J Med Genet. 2013 Sep;50(9):614-26; Lopes LR et al. Heart, 2015 Feb;101:294-301; Stava TT et al. Eur J Prev Cardiol. 2022 Oct;29(13):1789-1799; Ambry internal data). This amino acid position is highly conserved in available vertebrate species. In addition, the in silico prediction for this alteration is inconclusive. Based on the majority of available evidence to date, this variant is likely to be pathogenic.

Women's Health and Genetics/Laboratory Corporation of America, LabCorp
Classification: Likely pathogenic for Cardiomyopathy. Last evaluated: 2024-11-22. Review status: criteria provided, single submitter. Criteria: LabCorp Variant Classification Summary - May 2015. Collection method: clinical testing. Allele origin: germline.
Comment: Variant summary: MYH7 c.1231G>A (p.Val411Ile) results in a conservative amino acid change located in the Myosin Large ATPases domain (IPR001609) of the encoded protein sequence. Four of five in-silico tools predict a damaging effect of the variant on protein function. The variant allele was found at a frequency of 1.6e-05 in 251480 control chromosomes. c.1231G>A has been reported in the literature in individuals affected with Cardiomyopathy (example,Erdmann_2003, Teirlinck_2012). In one patient with Cardiomyopathy, the variant was also reported at a compound heterozygous state with Likely pathogenic p.Arg869His (Magri_2020). The variant was also reported in multiple studies of Cardiomyopathy, without primary information (example, PMID 37652022, 29121657). These data indicate that the variant is likely to be associated with disease. To our knowledge, no experimental evidence demonstrating an impact on protein function has been reported. The following publications have been ascertained in the context of this evaluation (PMID: 12974739, 32481709, 23140321). ClinVar contains an entry for this variant (Variation ID: 181339). Based on the evidence outlined above, the variant was classified as likely pathogenic.

Institute of Immunology and Genetics Kaiserslautern
Classification: Likely pathogenic for Hypertrophic cardiomyopathy 1. Last evaluated: 2024-09-20. Review status: criteria provided, single submitter. Criteria: ACMG Guidelines, 2015. Collection method: clinical testing. Allele origin: paternal. Affected: no.
Comment: ACMG Criteria: PM1, PM2_P, PS4, PP3, PP5; Variant was found in a heterozygous state

Color Diagnostics, LLC DBA Color Health
Classification: Likely pathogenic for Cardiomyopathy. Last evaluated: 2023-11-06. Review status: criteria provided, single submitter. Criteria: ACMG Guidelines, 2015. Collection method: clinical testing. Allele origin: germline.
Comment: This missense variant replaces valine with isoleucine at codon 411 of the MYH7 protein. This variant is found within a highly conserved region of the myosin head domain. Missense variants in this region have been shown to be significantly overrepresented in individuals with hypertrophic cardiomyopathy (PMID: 27532257). Computational prediction suggests that this variant may have a deleterious impact on protein structure and function. To our knowledge, functional studies have not been reported for this variant. This variant has been reported in over 15 individuals affected with hypertrophic cardiomyopathy (PMID: 12974739, 12975413, 20624503, 20800588, 22429680, 23785128, 25351510, 27532257, 29121657, 30847666, 32481709, 32731933, 32894683, 33495597, 37121957). In two families, this variant has been reported to segregate with disease in affected individuals (PMID: 15858117, 23140321). This variant has been identified in 6/282874 chromosomes in the general population by the Genome Aggregation Database (gnomAD). Based on the available evidence, this variant is classified as Likely Pathogenic.

Blueprint Genetics
Classification: Likely pathogenic for MYH7-related disorders. Last evaluated: 2023-10-09. Review status: criteria provided, single submitter. Criteria: ACMG Guidelines, 2015. Collection method: clinical testing. Allele origin: germline. Affected: yes. Observed: 4 variant alleles.

All of Us Research Program, National Institutes of Health
Classification: Likely pathogenic for Hypertrophic cardiomyopathy. Last evaluated: 2023-08-17. Review status: criteria provided, single submitter. Criteria: ACMG Guidelines, 2015. Collection method: clinical testing. Allele origin: germline. Inheritance: Autosomal dominant inheritance. Observed: 2 variant alleles, 2 heterozygotes.
Comment: This missense variant replaces valine with isoleucine at codon 411 of the MYH7 protein. This variant is found within a highly conserved region of the myosin head domain. Missense variants in this region have been shown to be significantly overrepresented in individuals with hypertrophic cardiomyopathy (PMID: 27532257). Computational prediction suggests that this variant may have a deleterious impact on protein structure and function (internally defined REVEL score threshold >= 0.7, PMID: 27666373). To our knowledge, functional studies have not been reported for this variant. This variant has been reported in over 15 individuals affected with hypertrophic cardiomyopathy (PMID: 12974739, 12975413, 20624503, 20800588, 22429680, 23785128, 25351510, 27532257, 29121657, 30847666, 32481709, 32731933, 32894683, 33495597). In two families, this variant has been reported to segregate with disease in affected individuals (PMID: 15858117, 23140321). This variant has been identified in 6/282874 chromosomes in the general population by the Genome Aggregation Database (gnomAD). Based on the available evidence, this variant is classified as Likely Pathogenic.

This study involves interpretation of variants in research participants for the purpose of population health screening. Participant phenotype was not available at the time of variant classification. Additional details can be found in publication PMID: 35346344, PMCID: PMC8962531

CHEO Genetics Diagnostic Laboratory, Children's Hospital of Eastern Ontario
Classification: Likely pathogenic for Cardiomyopathy. Last evaluated: 2022-08-16. Review status: criteria provided, single submitter. Criteria: ACMG Guidelines, 2015. Collection method: clinical testing. Allele origin: germline.

Clinical Genetics Service, Universitary Hospital 12 de Octubre
Classification: Likely pathogenic for Hypertrophic cardiomyopathy 1. Review status: criteria provided, single submitter. Criteria: ACMG Guidelines, 2015. Collection method: clinical testing. Allele origin: germline. Affected: yes.

Juno Genomics, Hangzhou Juno Genomics, Inc
Classification: Likely pathogenic for Dilated cardiomyopathy 1S; Hypertrophic cardiomyopathy 1. Review status: criteria provided, single submitter. Criteria: ACMG Guidelines, 2015. Collection method: clinical testing. Allele origin: germline.
Comment: Multiple lines of computational evidence support a deleterious effect on the gene or gene product.;Located in a mutational hot spot and/or critical and well-established functional domain without benign variation.;The prevalence of the variant in affected individuals is significantly increased compared to the prevalence in controls.

Clinical Genetics, Academic Medical Center
Classification: Likely pathogenic. Review status: no assertion criteria provided. Collection method: clinical testing. Allele origin: germline. Affected: yes. Study: VKGL Data-share Consensus. Not counted in ClinVar's aggregate classification.

Joint Genome Diagnostic Labs from Nijmegen and Maastricht, Radboudumc and MUMC+
Classification: Likely pathogenic. Review status: no assertion criteria provided. Collection method: clinical testing. Allele origin: germline. Affected: yes. Study: VKGL Data-share Consensus. Not counted in ClinVar's aggregate classification.

Literature cited by the submitters: PubMed 12974739 (cited by 6 submitters); PubMed 12975413 (cited by 5 submitters); PubMed 20800588 (cited by 4 submitters); PubMed 22429680 (cited by 4 submitters); PubMed 23785128 (cited by 5 submitters); PubMed 27532257 (cited by 5 submitters); PubMed 29121657 (cited by 5 submitters); PubMed 30847666 (cited by 4 submitters); PubMed 32894683 (cited by 4 submitters); PubMed 15858117 (cited by 4 submitters); PubMed 20624503 (cited by 4 submitters); PubMed 23140321 (cited by 5 submitters); PubMed 25351510 (cited by 4 submitters); PubMed 32481709 (cited by 5 submitters); PubMed 32731933 (cited by 3 submitters); PubMed 33495597 (cited by 3 submitters); PubMed 37121957 (cited by Mayo Clinic Laboratories, Mayo Clinic and Color Diagnostics, LLC DBA Color Health); PubMed 35653365 (cited by Ambry Genetics).